The following is an entry in ClinVar:

NM_017807.4(OSGEP):c.382G>A (p.Val128Met)

Genes: OSGEP (O-sialoglycoprotein endopeptidase; minus strand), LOC107372315 (OSGEP/APEX1 bi-directional promoter region; plus strand). Cytogenetic location: 14q11.2.
Variant type: single nucleotide variant.
Coding change: c.382G>A on transcript NM_017807.4 (MANE Select); coding-DNA position 382, G replaced by A.
Protein change: p.Val128Met; replaces valine 128 with methionine.
Molecular consequence: missense variant.
Genome position (GRCh38, 1-based): chr14:20,452,003, C>T on the plus strand (G>A on the coding strand, the complement: OSGEP is on the minus strand). VCF-style: chr14-20452003-C-T. GRCh37 (hg19) VCF-style: chr14-20920162-C-T.
Other names: c.382G>A (NM_017807.3); short protein forms V128M.
Identifiers: ClinVar variation 1350340 (VCV001350340.7), dbSNP rs146670680, ClinGen allele CA7081261.

ClinVar aggregate classification (germline): Uncertain significance. Review status: criteria provided, multiple submitters, no conflicts (2 of 4 stars). 3 submissions from 3 submitters: Uncertain significance (3). Last evaluated 2025-09-18.

Conditions:
Inborn genetic diseases. Identifiers: MedGen C0950123, MeSH D030342.
OSGEP-related disorder. Also called: OSGEP-related condition.

Allele frequency attached by ClinVar (database versions not stated): gnomAD exomes 0.00002 and 0.00006; ExAC 0.00009; gnomAD 0.00018 and 0.00019; TOPMed 0.00018; ESP Exome Variant Server 0.00023; 1000 Genomes Project 30x 0.00031; 1000 Genomes Project 0.00040.

Submissions (3):

PreventionGenetics, part of Exact Sciences
Classification: Uncertain significance for OSGEP-related condition. Last evaluated: 2025-09-18. Review status: criteria provided, single submitter. Criteria: ACMG Guidelines, 2015. Collection method: clinical testing. Allele origin: germline.
Comment: The OSGEP c.382G>A variant is predicted to result in the amino acid substitution p.Val128Met. To our knowledge, this variant has not been reported in the literature. This variant is reported in 0.056% of alleles in individuals of African descent in gnomAD. Although we suspect that this variant may be benign, at this time, the clinical significance of this variant is uncertain due to the absence of conclusive functional and genetic evidence.

Ambry Genetics
Classification: Uncertain significance for Inborn genetic diseases. Last evaluated: 2025-06-30. Review status: criteria provided, single submitter. Criteria: Ambry Variant Classification Scheme 2023. Collection method: clinical testing. Allele origin: germline.

Labcorp Genetics (formerly Invitae), Labcorp
Classification: Uncertain significance. Last evaluated: 2022-07-25. Review status: criteria provided, single submitter. Criteria: Invitae Variant Classification Sherloc (09022015). Collection method: clinical testing. Allele origin: germline.
Comment: In summary, the available evidence is currently insufficient to determine the role of this variant in disease. Therefore, it has been classified as a Variant of Uncertain Significance. Algorithms developed to predict the effect of missense changes on protein structure and function are either unavailable or do not agree on the potential impact of this missense change (SIFT: "Deleterious"; PolyPhen-2: "Probably Damaging"; Align-GVGD: "Class C15"). ClinVar contains an entry for this variant (Variation ID: 1350340). This variant has not been reported in the literature in individuals affected with OSGEP-related conditions. This variant is present in population databases (rs146670680, gnomAD 0.05%). This sequence change replaces valine, which is neutral and non-polar, with methionine, which is neutral and non-polar, at codon 128 of the OSGEP protein (p.Val128Met).